The following is an entry in ClinVar:

ClinVar aggregate classification (germline): Uncertain significance (1 of 4 stars; one submission).

Conditions:
Charcot-Marie-Tooth disease dominant intermediate B (CMTDIB). Also called: CHARCOT-MARIE-TOOTH NEUROPATHY, DOMINANT INTERMEDIATE B; Charcot-Marie-Tooth disease dominant intermediate 1; CMT DI1; Charcot-Marie-Tooth disease dominant intermediate I. Identifiers: Orphanet 100044, Orphanet 228179, MedGen C1847902, MONDO:0011674, OMIM 606482.

Allele frequency attached by ClinVar (database versions not stated): gnomAD 0.00001.
gnomAD v4.1: 5 of 1,602,872 alleles (0.00031%); highest among the groups gnomAD compares: African/African-American, 0.004%; no homozygotes.

Submission:

Labcorp Genetics (formerly Invitae), Labcorp
Classification: Uncertain significance for Charcot-Marie-Tooth disease dominant intermediate B. Last evaluated: 2022-08-20. Review status: criteria provided, single submitter. Criteria: Invitae Variant Classification Sherloc (09022015). Collection method: clinical testing. Allele origin: germline.
Comment: In summary, the available evidence is currently insufficient to determine the role of this variant in disease. Therefore, it has been classified as a Variant of Uncertain Significance. Variants that disrupt the consensus splice site are a relatively common cause of aberrant splicing (PMID: 17576681, 9536098). Algorithms developed to predict the effect of sequence changes on RNA splicing suggest that this variant is not likely to affect RNA splicing. This variant has not been reported in the literature in individuals affected with DNM2-related conditions. This variant is present in population databases (no rsID available, gnomAD 0.007%). This sequence change falls in intron 15 of the DNM2 gene. It does not directly change the encoded amino acid sequence of the DNM2 protein. It affects a nucleotide within the consensus splice site.

Literature cited by the submitters: PubMed 17576681; PubMed 9536098.

NM_001005361.3(DNM2):c.1671+3G>A

Gene: DNM2 (dynamin 2; plus strand). Cytogenetic location: 19p13.2.
Variant type: single nucleotide variant.
Coding change: c.1671+3G>A on transcript NM_001005361.3 (MANE Select); 3 bases into the intron after coding-DNA position 1671, G replaced by A.
Molecular consequence: intron variant.
Genome position (GRCh38, 1-based): chr19:10,812,380, G>A. VCF-style: chr19-10812380-G-A. GRCh37 (hg19) VCF-style: chr19-10923056-G-A.
Other names: c.1671+3G>A (NM_001005360.3, NM_001190716.2); c.1659+3G>A (NM_004945.4, NM_001005362.3).
Identifiers: ClinVar variation 2140683 (VCV002140683.4), dbSNP rs942932745, ClinGen allele CA305251446.